The following is an entry in ClinVar:

NM_000059.4(BRCA2):c.4300A>G (p.Lys1434Glu)

Gene: BRCA2 (BRCA2 DNA repair associated; plus strand). Cytogenetic location: 13q13.1.
Variant type: single nucleotide variant.
Coding change: c.4300A>G on transcript NM_000059.4 (MANE Select); coding-DNA position 4300, A replaced by G.
Protein change: p.Lys1434Glu; replaces lysine 1434 with glutamic acid.
Molecular consequence: missense variant.
Genome position (GRCh38, 1-based): chr13:32,338,655, A>G. VCF-style: chr13-32338655-A-G. GRCh37 (hg19) VCF-style: chr13-32912792-A-G.
Other names: short protein forms K1434E.
Identifiers: ClinVar variation 232205 (VCV000232205.18), dbSNP rs876659616, ClinGen allele CA10579609.

ClinVar aggregate classification (germline): Conflicting classifications of pathogenicity. Review status: criteria provided, conflicting classifications (1 of 4 stars). 4 submissions from 4 submitters: Uncertain significance (3); Likely benign (1). Last evaluated 2025-07-15.

Conditions:
Hereditary cancer-predisposing syndrome. Also called: Neoplastic Syndromes, Hereditary; Tumor predisposition; Hereditary Cancer Syndrome; Hereditary neoplastic syndrome. Identifiers: Orphanet 140162, MedGen C0027672, MeSH D009386, MONDO:0015356.
Hereditary breast ovarian cancer syndrome. Also called: BRCA1- and BRCA2-Associated Hereditary Breast and Ovarian Cancer; Hereditary breast and ovarian cancer syndrome; Hereditary breast and ovarian cancer; Hereditary breast and ovarian cancer syndrome (HBOC); Breast and ovarian cancer; Hereditary breast and/or ovarian cancer syndrome. Identifiers: Orphanet 145, MedGen C0677776, MeSH D061325, MONDO:0003582. Disease mechanism: loss of function.

Submissions (4):

Ambry Genetics
Classification: Uncertain significance for Hereditary cancer-predisposing syndrome. Last evaluated: 2025-07-15. Review status: criteria provided, single submitter. Criteria: Ambry Variant Classification Scheme 2023. Collection method: clinical testing. Allele origin: germline.
Comment: The p.K1434E variant (also known as c.4300A>G), located in coding exon 10 of the BRCA2 gene, results from an A to G substitution at nucleotide position 4300. The lysine at codon 1434 is replaced by glutamic acid, an amino acid with similar properties. This amino acid position is well conserved in available vertebrate species. In addition, the in silico prediction for this alteration is inconclusive. Since supporting evidence is limited at this time, the clinical significance of this alteration remains unclear.

Women's Health and Genetics/Laboratory Corporation of America, LabCorp
Classification: Uncertain significance. Last evaluated: 2025-05-12. Review status: criteria provided, single submitter. Criteria: LabCorp Variant Classification Summary - May 2015. Collection method: clinical testing. Allele origin: germline.

Labcorp Genetics (formerly Invitae), Labcorp
Classification: Uncertain significance for Hereditary breast ovarian cancer syndrome. Last evaluated: 2025-03-02. Review status: criteria provided, single submitter. Criteria: Invitae Variant Classification Sherloc (09022015). Collection method: clinical testing. Allele origin: germline.
Comment: This sequence change replaces lysine, which is basic and polar, with glutamic acid, which is acidic and polar, at codon 1434 of the BRCA2 protein (p.Lys1434Glu). This variant is not present in population databases (gnomAD no frequency). This variant has not been reported in the literature in individuals affected with BRCA2-related conditions. ClinVar contains an entry for this variant (Variation ID: 232205). Invitae Evidence Modeling of protein sequence and biophysical properties (such as structural, functional, and spatial information, amino acid conservation, physicochemical variation, residue mobility, and thermodynamic stability) indicates that this missense variant is not expected to disrupt BRCA2 protein function with a negative predictive value of 95%. In summary, the available evidence is currently insufficient to determine the role of this variant in disease. Therefore, it has been classified as a Variant of Uncertain Significance.

University of Washington Department of Laboratory Medicine, University of Washington
Classification: Likely benign for Hereditary cancer-predisposing syndrome. Last evaluated: 2023-03-23. Review status: criteria provided, single submitter. Criteria: Dines et al. (Genet Med. 2020). Collection method: curation. Allele origin: germline.
Comment: Missense variant in a coldspot region where missense variants are very unlikely to be pathogenic (PMID:31911673).

BRCA2 exon 11 coldspot. Reclassification based on statistical prior probability.